The following is an entry in ClinVar:

ClinVar aggregate classification (germline): Uncertain significance (1 of 4 stars; one submission).

Conditions:
Left ventricular noncompaction 1 (LVNC1). Also called: LEFT VENTRICULAR NONCOMPACTION 1 WITH OR WITHOUT CONGENITAL HEART DEFECTS. Identifiers: Orphanet 54260, MedGen C1858725, MONDO:0011403, OMIM 604169.

Submission:

Labcorp Genetics (formerly Invitae), Labcorp
Classification: Uncertain significance for Left ventricular noncompaction 1. Last evaluated: 2017-10-23. Review status: criteria provided, single submitter. Criteria: Invitae Variant Classification Sherloc (09022015). Collection method: clinical testing. Allele origin: germline.
Comment: This sequence change replaces histidine with tyrosine at codon 275 of the DTNA protein (p.His275Tyr). The histidine residue is highly conserved and there is a moderate physicochemical difference between histidine and tyrosine. This variant is not present in population databases (ExAC no frequency). This variant has not been reported in the literature in individuals with DTNA-related disease. Algorithms developed to predict the effect of missense changes on protein structure and function do not agree on the potential impact of this missense change (SIFT: "Deleterious"; PolyPhen-2: "Possibly Damaging"; Align-GVGD: "Class C15"). In summary, the available evidence is currently insufficient to determine the role of this variant in disease. Therefore, it has been classified as a Variant of Uncertain Significance.

NM_001386795.1(DTNA):c.823C>T (p.His275Tyr)

Gene: DTNA (dystrobrevin alpha; plus strand). Cytogenetic location: 18q12.1.
Variant type: single nucleotide variant.
Coding change: c.823C>T on transcript NM_001386795.1 (MANE Select); coding-DNA position 823, C replaced by T.
Protein change: p.His275Tyr; replaces histidine 275 with tyrosine.
Molecular consequence: missense variant. On other transcripts: intron variant (1).
Genome position (GRCh38, 1-based): chr18:34,818,277, C>T. VCF-style: chr18-34818277-C-T. GRCh37 (hg19) VCF-style: chr18-32398241-C-T.
Other names: c.823C>T, p.His275Tyr (NM_001128175.2, NM_001386758.1, NM_001386759.1 and 34 more transcripts); c.603+6164C>T (NM_001198945.2); c.73C>T, p.His25Tyr (NM_001198943.1); short protein forms H275Y, H25Y.
Identifiers: ClinVar variation 534960 (VCV000534960.8), dbSNP rs1555826918, ClinGen allele CA402168925.